The following is an entry in ClinVar:

ClinVar aggregate classification (germline): Conflicting classifications of pathogenicity. Review status: criteria provided, conflicting classifications (1 of 4 stars). 5 submissions from 5 submitters: Uncertain significance (3); Likely benign (2). Last evaluated 2026-05-12.

Conditions:
INVS-related disorder. Also called: INVS-related condition.
Nephronophthisis. Also called: Juvenile Nephronophthisis. Identifiers: Orphanet 655, MedGen C0687120, MONDO:0019005, HP:0000090.
Inborn genetic diseases. Identifiers: MedGen C0950123, MeSH D030342.

Allele frequency attached by ClinVar (database versions not stated): gnomAD below 0.00001 and 0.00002; gnomAD exomes 0.00006 and 0.00010; ExAC 0.00012.
gnomAD v4.1: 92 of 1,614,072 alleles (0.0057%); highest among the groups gnomAD compares: South Asian, 0.091%; 2 homozygotes.

Submissions (5):

PreventionGenetics, part of Exact Sciences
Classification: Uncertain significance for INVS-related condition. Last evaluated: 2026-05-12. Review status: criteria provided, single submitter. Criteria: ACMG Guidelines, 2015. Collection method: clinical testing. Allele origin: germline.
Comment: The INVS c.2123A>G variant is predicted to result in the amino acid substitution p.Asn708Ser. To our knowledge, this variant has not been reported in the literature. This variant is reported in 0.069% of alleles in individuals of South Asian descent in gnomAD, which may be too frequent to be a primary cause of disease. Although we suspect that this variant may be benign, at this time, the clinical significance of this variant is uncertain due to the absence of conclusive functional and genetic evidence.

Ambry Genetics
Classification: Likely benign for Inborn genetic diseases. Last evaluated: 2024-12-28. Review status: criteria provided, single submitter. Criteria: Ambry Variant Classification Scheme 2023. Collection method: clinical testing. Allele origin: germline.

Blueprint Genetics
Classification: Likely benign. Last evaluated: 2023-06-21. Review status: criteria provided, single submitter. Criteria: ACMG Guidelines, 2015. Collection method: clinical testing. Allele origin: germline.

Labcorp Genetics (formerly Invitae), Labcorp
Classification: Uncertain significance for Nephronophthisis. Last evaluated: 2022-03-16. Review status: criteria provided, single submitter. Criteria: Invitae Variant Classification Sherloc (09022015). Collection method: clinical testing. Allele origin: germline.
Comment: This sequence change replaces asparagine, which is neutral and polar, with serine, which is neutral and polar, at codon 708 of the INVS protein (p.Asn708Ser). This variant is present in population databases (rs770047072, gnomAD 0.07%). This variant has not been reported in the literature in individuals affected with INVS-related conditions. ClinVar contains an entry for this variant (Variation ID: 502273). Algorithms developed to predict the effect of missense changes on protein structure and function output the following: SIFT: "Tolerated"; PolyPhen-2: "Benign"; Align-GVGD: "Class C0". The serine amino acid residue is found in multiple mammalian species, which suggests that this missense change does not adversely affect protein function. In summary, the available evidence is currently insufficient to determine the role of this variant in disease. Therefore, it has been classified as a Variant of Uncertain Significance.

Eurofins Ntd Llc (ga)
Classification: Uncertain significance. Last evaluated: 2017-05-25. Review status: criteria provided, single submitter. Criteria: EGL Classification Definitions 2015. Collection method: clinical testing. Allele origin: germline. Observed: 1 variant allele, 1 heterozygote.

NM_014425.5(INVS):c.2123A>G (p.Asn708Ser)

Gene: INVS (inversin; plus strand). Cytogenetic location: 9q31.1.
Variant type: single nucleotide variant.
Coding change: c.2123A>G on transcript NM_014425.5 (MANE Select); coding-DNA position 2123, A replaced by G.
Protein change: p.Asn708Ser; replaces asparagine 708 with serine.
Molecular consequence: missense variant. On other transcripts: non-coding transcript variant (1).
Genome position (GRCh38, 1-based): chr9:100,292,380, A>G. VCF-style: chr9-100292380-A-G. GRCh37 (hg19) VCF-style: chr9-103054662-A-G.
Other names: c.2123A>G (NM_014425.4, NM_014425.2); c.1835A>G, p.Asn612Ser (NM_001318381.2); c.1145A>G, p.Asn382Ser (NM_001318382.2); short protein forms N708S, N382S, N612S.
Identifiers: ClinVar variation 502273 (VCV000502273.9), dbSNP rs770047072, ClinGen allele CA5158567.